The following is an entry in ClinVar:

NM_005826.5(HNRNPR):c.311C>T (p.Thr104Ile)

Gene: HNRNPR (heterogeneous nuclear ribonucleoprotein R; minus strand). Cytogenetic location: 1p36.12.
Variant type: single nucleotide variant.
Coding change: c.311C>T on transcript NM_005826.5 (MANE Select); coding-DNA position 311, C replaced by T.
Protein change: p.Thr104Ile; replaces threonine 104 with isoleucine.
Molecular consequence: missense variant.
Genome position (GRCh38, 1-based): chr1:23,337,827, G>A on the plus strand (C>T on the coding strand, the complement: HNRNPR is on the minus strand). VCF-style: chr1-23337827-G-A. GRCh37 (hg19) VCF-style: chr1-23664320-G-A.
Other names: NM_001297622.2:c.8C>T; c.311C>T, p.Thr104Ile (NM_001438564.1, NM_001102398.3, NM_001297620.2 and 1 more transcripts); c.8C>T, p.Thr3Ile (NM_001102397.3, NM_001102399.3, NM_001297621.2 and 1 more transcripts); short protein forms T104I, T3I.
Identifiers: ClinVar variation 4819478 (VCV004819478.1).

ClinVar aggregate classification (germline): Uncertain significance (1 of 4 stars; one submission).

Conditions:
Neurodevelopmental disorder. Identifiers: MedGen C1535926, MeSH D065886, MONDO:0700092.

Submission:

Broad Center for Mendelian Genomics, Broad Institute of MIT and Harvard
Classification: Uncertain significance for Neurodevelopmental disorder. Last evaluated: 2026-03-02. Review status: criteria provided, single submitter. Criteria: ACMG Guidelines, 2015. Collection method: research. Allele origin: germline. Inheritance: Autosomal dominant inheritance.
Comment: Trio exome analysis showed this variant to be de novo. The p.Thr104Ile variant in HNRNPR has not been previously reported in the literature in individuals with neurodevelopmental disorders, and was absent from large population studies. Computational prediction tools and conservation analyses do not provide strong support for or against an impact to the protein. The number of missense variants reported in HNRNPR in the general population is lower than expected, suggesting there is little benign variation in this gene and slightly increasing the possibility that a missense variant in this gene may not be tolerated. In summary, the clinical significance of the p.Thr104Ile variant is uncertain. ACMG/AMP Criteria applied: PP2, PM2_supporting, PS2_supporting (Richards 2015).